The following is an entry in ClinVar:

NM_024876.4(COQ8B):c.894-3C>G

Gene: COQ8B (coenzyme Q8B; minus strand). Cytogenetic location: 19q13.2.
Variant type: single nucleotide variant.
Coding change: c.894-3C>G on transcript NM_024876.4 (MANE Select); 3 bases into the intron before coding-DNA position 894, C replaced by G.
Molecular consequence: intron variant.
Genome position (GRCh38, 1-based): chr19:40,700,454, G>C on the plus strand (C>G on the coding strand, the complement: COQ8B is on the minus strand). VCF-style: chr19-40700454-G-C. GRCh37 (hg19) VCF-style: chr19-41206359-G-C.
Other names: c.771-3C>G (NM_001142555.3).
Identifiers: ClinVar variation 2178757 (VCV002178757.3), dbSNP rs759527410, ClinGen allele CA9450214.
Genomic context (GRCh38, chr19:40,700,454, plus strand): 5'-GCACAGCTCCTTAACCACGGCTGGGACCCGGAAGAAGGGGTCATTTGCCAGCAGCTGCCT[G>C]GGGCAGAAGGAAAGGGAGGAAGGGGACTTCGTGCTTCAGGCTTGTGACCCAGCTTGAGAC-3'

ClinVar aggregate classification (germline): Uncertain significance (1 of 4 stars; one submission).

Allele frequency attached by ClinVar (database versions not stated): TOPMed below 0.00001; gnomAD 0.00001; gnomAD exomes 0.00001; ExAC 0.00002.
gnomAD v4.1: 22 of 1,612,390 alleles (0.0014%); highest among the groups gnomAD compares: Non-Finnish European, 0.0018%; no homozygotes.

Submission:

Labcorp Genetics (formerly Invitae), Labcorp
Classification: Uncertain significance. Last evaluated: 2023-12-21. Review status: criteria provided, single submitter. Criteria: Invitae Variant Classification Sherloc (09022015). Collection method: clinical testing. Allele origin: germline.
Comment: This sequence change falls in intron 10 of the COQ8B gene. It does not directly change the encoded amino acid sequence of the COQ8B protein. It affects a nucleotide within the consensus splice site. The frequency data for this variant in the population databases is considered unreliable, as metrics indicate poor data quality at this position in the gnomAD database. This variant has not been reported in the literature in individuals affected with COQ8B-related conditions. ClinVar contains an entry for this variant (Variation ID: 2178757). Variants that disrupt the consensus splice site are a relatively common cause of aberrant splicing (PMID: 17576681, 9536098). Algorithms developed to predict the effect of sequence changes on RNA splicing suggest that this variant may disrupt the consensus splice site. In summary, the available evidence is currently insufficient to determine the role of this variant in disease. Therefore, it has been classified as a Variant of Uncertain Significance.

Literature cited by the submitters: PubMed 17576681; PubMed 9536098.